The following is an entry in ClinVar:

ClinVar aggregate classification (germline): Uncertain significance. Review status: criteria provided, multiple submitters, no conflicts (2 of 4 stars). 2 submissions from 2 submitters: Uncertain significance (2). Last evaluated 2024-11-13.

Conditions:
Polyglucosan body myopathy type 1 (PGBM1). Also called: Polyglucosan body myopathy 1 with or without immunodeficiency; POLYGLUCOSAN BODY MYOPATHY WITHOUT IMMUNODEFICIENCY. Identifiers: Orphanet 329173, Orphanet 397937, MedGen C4014605, MONDO:0014389, OMIM 615895.

Allele frequency attached by ClinVar (database versions not stated): gnomAD 0.00001; gnomAD exomes 0.00001 and 0.00003; TOPMed 0.00002; ExAC 0.00004.

Submissions (2):

Blueprint Genetics
Classification: Uncertain significance. Last evaluated: 2024-11-13. Review status: criteria provided, single submitter. Criteria: ACMG Guidelines, 2015. Collection method: clinical testing. Allele origin: germline.

Labcorp Genetics (formerly Invitae), Labcorp
Classification: Uncertain significance for Polyglucosan body myopathy type 1. Last evaluated: 2022-08-31. Review status: criteria provided, single submitter. Criteria: Invitae Variant Classification Sherloc (09022015). Collection method: clinical testing. Allele origin: germline.
Comment: This sequence change replaces arginine, which is basic and polar, with tryptophan, which is neutral and slightly polar, at codon 145 of the RBCK1 protein (p.Arg145Trp). This variant is present in population databases (rs751068368, gnomAD 0.01%). This variant has not been reported in the literature in individuals affected with RBCK1-related conditions. ClinVar contains an entry for this variant (Variation ID: 1436062). Algorithms developed to predict the effect of missense changes on protein structure and function are either unavailable or do not agree on the potential impact of this missense change (SIFT: "Not Available"; PolyPhen-2: "Possibly Damaging"; Align-GVGD: "Not Available"). In summary, the available evidence is currently insufficient to determine the role of this variant in disease. Therefore, it has been classified as a Variant of Uncertain Significance.

NM_031229.4(RBCK1):c.433C>T (p.Arg145Trp)

Gene: RBCK1 (RANBP2-type and C3HC4-type zinc finger containing 1; plus strand). Cytogenetic location: 20p13.
Variant type: single nucleotide variant.
Coding change: c.433C>T on transcript NM_031229.4 (MANE Select); coding-DNA position 433, C replaced by T.
Protein change: p.Arg145Trp; replaces arginine 145 with tryptophan.
Molecular consequence: missense variant. On other transcripts: synonymous variant (2), non-coding transcript variant (1).
Genome position (GRCh38, 1-based): chr20:417,903, C>T. VCF-style: chr20-417903-C-T. GRCh37 (hg19) VCF-style: chr20-398547-C-T.
Other names: c.84C>T, p.Ser28= (NM_001323956.2, NM_001323958.2); c.307C>T, p.Arg103Trp (NM_006462.6); short protein forms R145W, R103W.
Identifiers: ClinVar variation 1436062 (VCV001436062.6), dbSNP rs751068368, ClinGen allele CA9723063.